The following is an entry in ClinVar:

ClinVar aggregate classification (germline): Pathogenic (1 of 4 stars; one submission).

Conditions:
Exostoses, multiple, type 2 (EXT2). Also called: EXOSTOSES, MULTIPLE, TYPE II; Hereditary Multiple Osteochondromatosis, Type II. Identifiers: Orphanet 321, MedGen C1851413, MONDO:0007586, OMIM 133701.

Submission:

Labcorp Genetics (formerly Invitae), Labcorp
Classification: Pathogenic for Multiple exostoses type 2. Last evaluated: 2018-02-21. Review status: criteria provided, single submitter. Criteria: Invitae Variant Classification Sherloc (09022015). Collection method: clinical testing. Allele origin: germline.
Comment: This variant is a gross deletion of the genomic region encompassing exons 2-7 of the EXT2 gene, which includes the initiator codon. The 5' end of this event is unknown as it extends beyond the assayed region for this gene and therefore may encompass additional genes. The 3' boundary is likely confined to intron 7 of the EXT2 gene. This is expected to result in an absent or disrupted protein product. This variant has not been reported in the literature in individuals with EXT2-related disease. Loss-of-function variants in EXT2 are known to be pathogenic (PMID: 19810120). For these reasons, this variant has been classified as Pathogenic.

NC_000011.10:g.(?_44107663)_(44130158_?)del

Genes: EXT2 (exostosin glycosyltransferase 2; plus strand), LOC130005600 (ATAC-STARR-seq lymphoblastoid active region 4651; plus strand), LOC130005601 (ATAC-STARR-seq lymphoblastoid active region 4652; plus strand). Cytogenetic location: 11p11.2.
Variant type: Deletion.
Identifiers: ClinVar variation 583463 (VCV000583463.1).